The following is an entry in ClinVar:

ClinVar aggregate classification (germline): Uncertain significance (1 of 4 stars; one submission).

Conditions:
Charcot-Marie-Tooth disease axonal type 2C (HMSN2C). Also called: CHARCOT-MARIE-TOOTH DISEASE, AXONAL, AUTOSOMAL DOMINANT, TYPE 2C; Charcot-Marie-Tooth Neuropathy Type 2C; Charcot-Marie-Tooth Disease Type 2, TRPV4-Related (CMT2C). Identifiers: Orphanet 99937, MedGen C1853710, MONDO:0011633, OMIM 606071.

gnomAD v4.1: 2 of 1,613,970 alleles (0.00012%); highest among the groups gnomAD compares: Non-Finnish European, 0.000085%; no homozygotes.

Submission:

Labcorp Genetics (formerly Invitae), Labcorp
Classification: Uncertain significance for Charcot-Marie-Tooth disease axonal type 2C. Last evaluated: 2025-07-23. Review status: criteria provided, single submitter. Criteria: Invitae Variant Classification Sherloc (09022015). Collection method: clinical testing. Allele origin: germline.
Comment: This sequence change replaces lysine, which is basic and polar, with glutamine, which is neutral and polar, at codon 766 of the TRPV4 protein (p.Lys766Gln). This variant is not present in population databases (gnomAD no frequency). This variant has not been reported in the literature in individuals affected with TRPV4-related conditions. Invitae Evidence Modeling of protein sequence and biophysical properties (such as structural, functional, and spatial information, amino acid conservation, physicochemical variation, residue mobility, and thermodynamic stability) has been performed for this missense variant. However, the output from this modeling did not meet the statistical confidence thresholds required to predict the impact of this variant on TRPV4 protein function. In summary, the available evidence is currently insufficient to determine the role of this variant in disease. Therefore, it has been classified as a Variant of Uncertain Significance.

NM_021625.5(TRPV4):c.2296A>C (p.Lys766Gln)

Gene: TRPV4 (transient receptor potential cation channel subfamily V member 4; minus strand). Cytogenetic location: 12q24.11.
Variant type: single nucleotide variant.
Coding change: c.2296A>C on transcript NM_021625.5 (MANE Select); coding-DNA position 2296, A replaced by C.
Protein change: p.Lys766Gln; replaces lysine 766 with glutamine.
Molecular consequence: missense variant.
Genome position (GRCh38, 1-based): chr12:109,786,750, T>G on the plus strand (A>C on the coding strand, the complement: TRPV4 is on the minus strand). VCF-style: chr12-109786750-T-G. GRCh37 (hg19) VCF-style: chr12-110224555-T-G.
Other names: c.2155A>C, p.Lys719Gln (NM_001177428.2); c.2194A>C, p.Lys732Gln (NM_001177431.2); c.1975A>C, p.Lys659Gln (NM_001177433.2); c.2116A>C, p.Lys706Gln (NM_147204.3); short protein forms K719Q, K659Q, K706Q, K732Q, K766Q.
Identifiers: ClinVar variation 4706866 (VCV004706866.1).